The following is an entry in ClinVar:

NM_001134407.3(GRIN2A):c.852G>A (p.Trp284Ter)

Gene: GRIN2A (glutamate ionotropic receptor NMDA type subunit 2A; minus strand). Cytogenetic location: 16p13.2.
Variant type: single nucleotide variant.
Coding change: c.852G>A on transcript NM_001134407.3 (MANE Select); coding-DNA position 852, G replaced by A.
Protein change: p.Trp284Ter; replaces tryptophan 284 with a stop codon.
Molecular consequence: nonsense.
Genome position (GRCh38, 1-based): chr16:9,938,114, C>T on the plus strand (G>A on the coding strand, the complement: GRIN2A is on the minus strand). VCF-style: chr16-9938114-C-T. GRCh37 (hg19) VCF-style: chr16-10031971-C-T.
Other names: c.852G>A, p.Trp284Ter (NM_000833.5, NM_001134408.2); short protein forms W284*.
Identifiers: ClinVar variation 963123 (VCV000963123.10), dbSNP rs1555455618, ClinGen allele CA394798357.

ClinVar aggregate classification (germline): Pathogenic (1 of 4 stars; one submission).

Conditions:
Landau-Kleffner syndrome (FESD). Also called: EPILEPSY, FOCAL, WITH SPEECH DISORDER AND WITH OR WITHOUT MENTAL RETARDATION; APHASIA, ACQUIRED, WITH EPILEPSY. Identifiers: Orphanet 1945, Orphanet 725, Orphanet 98818, MedGen C0282512, MONDO:0009509, OMIM 245570.

Submission:

Labcorp Genetics (formerly Invitae), Labcorp
Classification: Pathogenic for Landau-Kleffner syndrome. Last evaluated: 2023-08-04. Review status: criteria provided, single submitter. Criteria: Invitae Variant Classification Sherloc (09022015). Collection method: clinical testing. Allele origin: germline.
Comment: For these reasons, this variant has been classified as Pathogenic. ClinVar contains an entry for this variant (Variation ID: 963123). This variant has not been reported in the literature in individuals affected with GRIN2A-related conditions. This variant is not present in population databases (gnomAD no frequency). This sequence change creates a premature translational stop signal (p.Trp284*) in the GRIN2A gene. It is expected to result in an absent or disrupted protein product. Loss-of-function variants in GRIN2A are known to be pathogenic (PMID: 23933819, 23933820).

Literature cited by the submitters: PubMed 23933819; PubMed 23933820.